The following is an entry in ClinVar:

NM_181078.3(IL21R):c.1402C>T (p.Arg468Trp)

Genes: IL21R-AS1 (IL21R antisense RNA 1; minus strand), IL21R (interleukin 21 receptor; plus strand), LOC130058713 (ATAC-STARR-seq lymphoblastoid active region 10627; plus strand). Cytogenetic location: 16p12.1.
Variant type: single nucleotide variant.
Coding change: c.1402C>T on transcript NM_181078.3 (MANE Select); coding-DNA position 1402, C replaced by T.
Protein change: p.Arg468Trp; replaces arginine 468 with tryptophan.
Molecular consequence: missense variant. On other transcripts: non-coding transcript variant (1).
Genome position (GRCh38, 1-based): chr16:27,449,068, C>T. VCF-style: chr16-27449068-C-T. GRCh37 (hg19) VCF-style: chr16-27460389-C-T.
Other names: c.1402C>T, p.Arg468Trp (NM_021798.4); c.1468C>T, p.Arg490Trp (NM_181079.5); c.1468C>T (NM_181079.4); short protein forms R490W, R468W.
Identifiers: ClinVar variation 940966 (VCV000940966.8), dbSNP rs776008613, ClinGen allele CA7975194.

ClinVar aggregate classification (germline): Uncertain significance. Review status: criteria provided, multiple submitters, no conflicts (2 of 4 stars). 2 submissions from 2 submitters: Uncertain significance (2). Last evaluated 2023-12-12.

Conditions:
Cryptosporidiosis-chronic cholangitis-liver disease syndrome. Also called: IL21R immunodeficiency; Immunodeficiency type 56. Identifiers: Orphanet 357329, MedGen C3554687, MONDO:0014082, OMIM 615207.
Inborn genetic diseases. Identifiers: MedGen C0950123, MeSH D030342.

Allele frequency attached by ClinVar (database versions not stated): ExAC 0.00001; gnomAD 0.00001; gnomAD exomes 0.00001 and 0.00002; TOPMed 0.00002.
gnomAD v4.1: 16 of 1,612,690 alleles (0.00099%); highest among the groups gnomAD compares: Middle Eastern, 0.016%; no homozygotes.

Submissions (2):

Ambry Genetics
Classification: Uncertain significance for Inborn genetic diseases. Last evaluated: 2023-12-12. Review status: criteria provided, single submitter. Criteria: Ambry Variant Classification Scheme 2023. Collection method: clinical testing. Allele origin: germline.

Labcorp Genetics (formerly Invitae), Labcorp
Classification: Uncertain significance for Cryptosporidiosis-chronic cholangitis-liver disease syndrome. Last evaluated: 2022-10-13. Review status: criteria provided, single submitter. Criteria: Invitae Variant Classification Sherloc (09022015). Collection method: clinical testing. Allele origin: germline.
Comment: This sequence change replaces arginine, which is basic and polar, with tryptophan, which is neutral and slightly polar, at codon 468 of the IL21R protein (p.Arg468Trp). This variant is present in population databases (rs776008613, gnomAD 0.01%). This variant has not been reported in the literature in individuals affected with IL21R-related conditions. ClinVar contains an entry for this variant (Variation ID: 940966). Advanced modeling of protein sequence and biophysical properties (such as structural, functional, and spatial information, amino acid conservation, physicochemical variation, residue mobility, and thermodynamic stability) performed at Invitae indicates that this missense variant is expected to disrupt IL21R protein function. In summary, the available evidence is currently insufficient to determine the role of this variant in disease. Therefore, it has been classified as a Variant of Uncertain Significance.